The following is an entry in ClinVar:

ClinVar aggregate classification (germline): Uncertain significance. Review status: criteria provided, multiple submitters, no conflicts (2 of 4 stars). 4 submissions from 4 submitters: Uncertain significance (4). Last evaluated 2026-09-21.

Conditions:
Cardiomyopathy (CMYO). Also called: Cardiomyopathies. Identifiers: Orphanet 167848, MedGen C0878544, MONDO:0004994, HP:0001638. Inheritance: Various modes of inheritance.
Cardiovascular phenotype. Identifiers: MedGen CN230736.
Hypertrophic cardiomyopathy. Also called: HYPERTROPHIC MYOCARDIOPATHY. Identifiers: Orphanet 217569, MedGen C0007194, MeSH D002312, MONDO:0005045, HP:0001639.

Allele frequency attached by ClinVar (database versions not stated): ExAC 0.00002; gnomAD exomes below 0.00001; TOPMed 0.00001.
gnomAD v4.1: 4 of 1,613,106 alleles (0.00025%); highest among the groups gnomAD compares: East Asian, 0.0067%; no homozygotes.

Submissions (4):

Molecular Diagnostic Laboratory for Inherited Cardiovascular Disease, Montreal Heart Institute
Classification: Uncertain significance for Cardiovascular phenotype. Last evaluated: 2026-09-21. Review status: criteria provided, single submitter. Criteria: ACMG Guidelines, 2015. Collection method: clinical testing. Allele origin: germline. Affected: yes.
Comment: PM2

Ambry Genetics
Classification: Uncertain significance for Cardiovascular phenotype. Last evaluated: 2026-01-06. Review status: criteria provided, single submitter. Criteria: Ambry Variant Classification Scheme 2023. Collection method: clinical testing. Allele origin: germline.
Comment: The p.L1090V variant (also known as c.3268C>G), located in coding exon 24 of the MYH7 gene, results from a C to G substitution at nucleotide position 3268. The leucine at codon 1090 is replaced by valine, an amino acid with highly similar properties. This variant was reported in individual(s) with features consistent with hypertrophic cardiomyopathy (Zou Y et al. Mol Biol Rep, 2013 Jun;40:3969-76). This amino acid position is well conserved in available vertebrate species. In addition, the in silico prediction for this alteration is inconclusive. Based on the available evidence, the clinical significance of this variant remains unclear.

Color Diagnostics, LLC DBA Color Health
Classification: Uncertain significance for Cardiomyopathy. Last evaluated: 2024-11-13. Review status: criteria provided, single submitter. Criteria: ACMG Guidelines, 2015. Collection method: clinical testing. Allele origin: germline.
Comment: This missense variant replaces leucine with valine at codon 1090 of the MYH7 protein. Computational prediction is inconclusive regarding the impact of this variant on protein structure and function. To our knowledge, functional studies have not been reported for this variant. This variant has not been reported in individuals affected with MYH7-related disorders in the literature. This variant has been identified in 3/251442 chromosomes in the general population by the Genome Aggregation Database (gnomAD). The available evidence is insufficient to determine the role of this variant in disease conclusively. Therefore, this variant is classified as a Variant of Uncertain Significance.

Labcorp Genetics (formerly Invitae), Labcorp
Classification: Uncertain significance for Hypertrophic cardiomyopathy. Last evaluated: 2022-12-06. Review status: criteria provided, single submitter. Criteria: Invitae Variant Classification Sherloc (09022015). Collection method: clinical testing. Allele origin: germline.
Comment: This sequence change replaces leucine, which is neutral and non-polar, with valine, which is neutral and non-polar, at codon 1090 of the MYH7 protein (p.Leu1090Val). This variant is present in population databases (rs764335885, gnomAD 0.01%). This missense change has been observed in individual(s) with hypertrophic cardiomyopathy (PMID: 23283745). Advanced modeling of protein sequence and biophysical properties (such as structural, functional, and spatial information, amino acid conservation, physicochemical variation, residue mobility, and thermodynamic stability) has been performed at Invitae for this missense variant, however the output from this modeling did not meet the statistical confidence thresholds required to predict the impact of this variant on MYH7 protein function. In summary, the available evidence is currently insufficient to determine the role of this variant in disease. Therefore, it has been classified as a Variant of Uncertain Significance.

Literature cited by the submitters: PubMed 23283745 (cited by Ambry Genetics and Labcorp Genetics (formerly Invitae), Labcorp).

NM_000257.4(MYH7):c.3268C>G (p.Leu1090Val)

Gene: MYH7 (myosin heavy chain 7; minus strand). Cytogenetic location: 14q11.2.
Variant type: single nucleotide variant.
Coding change: c.3268C>G on transcript NM_000257.4 (MANE Select); coding-DNA position 3268, C replaced by G.
Protein change: p.Leu1090Val; replaces leucine 1090 with valine.
Molecular consequence: missense variant.
Genome position (GRCh38, 1-based): chr14:23,421,026, G>C on the plus strand (C>G on the coding strand, the complement: MYH7 is on the minus strand). VCF-style: chr14-23421026-G-C. GRCh37 (hg19) VCF-style: chr14-23890235-G-C.
Other names: c.3268C>G (NM_000257.3); c.3268C>G, p.Leu1090Val (NM_001407004.1); short protein forms L1090V.
Identifiers: ClinVar variation 2137558 (VCV002137558.7), dbSNP rs764335885, ClinGen allele CA036542.
Genomic context (GRCh38, chr14:23,421,026, plus strand): 5'-CCTTGAGCTTCTTCTGCAGCTGGCTGCCGAGGGCCTGTTCATCCTCAATCCTTGCGTTGA[G>C]AGCATTCAGCTCAAAGTCTTTTCTGTGGGGAAGGAGGGATGGTGAGGTAAGGGAGACTCG-3'
Protein context (NP_000248.2, residues 1080-1100): LKKKDFELNA[Leu1090Val]NARIEDEQAL